The following is an entry in ClinVar:

ClinVar aggregate classification (germline): Uncertain significance. Review status: criteria provided, multiple submitters, no conflicts (2 of 4 stars). 5 submissions from 5 submitters: Uncertain significance (4). 1 of the submissions does not count toward it. Last evaluated 2025-06-16.

Conditions:
Inborn genetic diseases. Identifiers: MedGen C0950123, MeSH D030342.
Developmental and epileptic encephalopathy, 42 (DEE42A). Also called: DEVELOPMENTAL AND EPILEPTIC ENCEPHALOPATHY 42A; EPILEPTIC ENCEPHALOPATHY, EARLY INFANTILE, 42A; Epileptic encephalopathy, early infantile, 42. Identifiers: MedGen C4310716, MONDO:0014917, OMIM 617106.
Episodic ataxia type 2 (EA2). Also called: ACETAZOLAMIDE-RESPONSIVE HEREDITARY PAROXYSMAL CEREBELLAR ATAXIA; ATAXIA, EPISODIC, WITH NYSTAGMUS; ATAXIA, FAMILIAL PAROXYSMAL; CEREBELLAR ATAXIA, PAROXYSMAL, ACETAZOLAMIDE-RESPONSIVE; CEREBELLOPATHY, HEREDITARY PAROXYSMAL; EPISODIC ATAXIA, NYSTAGMUS-ASSOCIATED. Identifiers: Orphanet 97, MedGen C1720416, MONDO:0007163, OMIM 108500.
Intellectual disability. Also called: Intellectual functioning disability; Intellectual developmental disorder; intellectual disabilities. Identifiers: MedGen C3714756, MeSH D008607, MONDO:0001071, HP:0001249.

Allele frequency attached by ClinVar (database versions not stated): TOPMed below 0.00001; gnomAD exomes 0.00001 and 0.00003; gnomAD 0.00003.
gnomAD v4.1: 37 of 1,608,558 alleles (0.0023%); highest among the groups gnomAD compares: Non-Finnish European, 0.0031%; no homozygotes.

Submissions (5):

Labcorp Genetics (formerly Invitae), Labcorp
Classification: Uncertain significance for Developmental and epileptic encephalopathy, 42; Episodic ataxia type 2. Last evaluated: 2025-06-16. Review status: criteria provided, single submitter. Criteria: Invitae Variant Classification Sherloc (09022015). Collection method: clinical testing. Allele origin: germline.
Comment: This sequence change replaces glutamic acid, which is acidic and polar, with lysine, which is basic and polar, at codon 1979 of the CACNA1A protein (p.Glu1979Lys). This variant is present in population databases (no rsID available, gnomAD 0.002%). This variant has not been reported in the literature in individuals affected with CACNA1A-related conditions. ClinVar contains an entry for this variant (Variation ID: 589592). Invitae Evidence Modeling of protein sequence and biophysical properties (such as structural, functional, and spatial information, amino acid conservation, physicochemical variation, residue mobility, and thermodynamic stability) indicates that this missense variant is not expected to disrupt CACNA1A protein function with a negative predictive value of 95%. In summary, the available evidence is currently insufficient to determine the role of this variant in disease. Therefore, it has been classified as a Variant of Uncertain Significance.

GeneDx
Classification: Uncertain significance. Last evaluated: 2024-06-10. Review status: criteria provided, single submitter. Criteria: GeneDx Variant Classification Process June 2021. Collection method: clinical testing. Allele origin: germline. Affected: yes.
Comment: Not observed at significant frequency in large population cohorts (gnomAD); In silico analysis supports that this missense variant has a deleterious effect on protein structure/function; Has not been previously published as pathogenic or benign to our knowledge

Cambridge Genomics Laboratory, East Genomic Laboratory Hub, NHS Genomic Medicine Service
Classification: Uncertain significance for Intellectual disability. Last evaluated: 2019-04-17. Review status: criteria provided, single submitter. Criteria: ACGS Best Practice Guidelines for Variant Classification in Rare Disease 2020. Collection method: clinical testing. Allele origin: germline. Affected: yes. Observed: 1 variant allele.

Ambry Genetics
Classification: Uncertain significance for Inborn genetic diseases. Last evaluated: 2017-11-29. Review status: criteria provided, single submitter. Criteria: Ambry Variant Classification Scheme 2023. Collection method: clinical testing. Allele origin: germline.
Comment: The p.E1979K variant (also known as c.5935G>A), located in coding exon 40 of the CACNA1A gene, results from a G to A substitution at nucleotide position 5935. The glutamic acid at codon 1979 is replaced by lysine, an amino acid with similar properties. This amino acid position is well conserved in available vertebrate species. In addition, the in silico prediction for this alteration is inconclusive. Since supporting evidence is limited at this time, the clinical significance of this alteration remains unclear.

Centre de Biologie Pathologie Génétique, Centre Hospitalier Universitaire de Lille
Classification: Likely benign for Intellectual disability. Last evaluated: 2019-01-01. Review status: no assertion criteria provided. Collection method: clinical testing. Allele origin: inherited. Affected: yes. Not counted in ClinVar's aggregate classification.

NM_001127222.2(CACNA1A):c.5932G>A (p.Glu1978Lys)

Gene: CACNA1A (calcium voltage-gated channel subunit alpha1 A; minus strand). Cytogenetic location: 19p13.13.
Variant type: single nucleotide variant.
Coding change: c.5932G>A on transcript NM_001127222.2 (MANE Select); coding-DNA position 5932, G replaced by A.
Protein change: p.Glu1978Lys; replaces glutamic acid 1978 with lysine.
Molecular consequence: missense variant.
Genome position (GRCh38, 1-based): chr19:13,214,241, C>T on the plus strand (G>A on the coding strand, the complement: CACNA1A is on the minus strand). VCF-style: chr19-13214241-C-T. GRCh37 (hg19) VCF-style: chr19-13325055-C-T.
Other names: c.5950G>A, p.Glu1984Lys (NM_000068.4, NM_023035.3); c.5935G>A, p.Glu1979Lys (NM_001127221.2); c.5941G>A, p.Glu1981Lys (NM_001174080.2); short protein forms E1979K, E1981K, E1984K, E1978K.
Identifiers: ClinVar variation 589592 (VCV000589592.18), dbSNP rs1266642291, ClinGen allele CA404333933.